The following is an entry in ClinVar:

ClinVar aggregate classification (germline): Uncertain significance (1 of 4 stars; one submission).

gnomAD v4.1: 168 of 1,613,304 alleles (0.01%); highest among the groups gnomAD compares: Non-Finnish European, 0.014%; no homozygotes.

Submission:

GeneDx
Classification: Uncertain significance. Last evaluated: 2026-03-31. Review status: criteria provided, single submitter. Criteria: GeneDx Variant Classification Process June 2021. Collection method: clinical testing. Allele origin: germline.
Comment: Not observed at significant frequency in large population cohorts (gnomAD); In silico analysis suggests that this missense variant does not alter protein structure/function; Has not been previously published as pathogenic or benign to our knowledge

NM_003201.3(TFAM):c.728C>T (p.Ala243Val)

Gene: TFAM (transcription factor A, mitochondrial; plus strand). Cytogenetic location: 10q21.1.
Variant type: single nucleotide variant.
Coding change: c.728C>T on transcript NM_003201.3 (MANE Select); coding-DNA position 728, C replaced by T.
Protein change: p.Ala243Val; replaces alanine 243 with valine.
Molecular consequence: missense variant. On other transcripts: non-coding transcript variant (1).
Genome position (GRCh38, 1-based): chr10:58,395,061, C>T. VCF-style: chr10-58395061-C-T. GRCh37 (hg19) VCF-style: chr10-60154821-C-T.
Other names: c.632C>T, p.Ala211Val (NM_001270782.2); short protein forms A211V, A243V.
Identifiers: ClinVar variation 5017184 (VCV005017184.1).